The following is an entry in ClinVar:

NM_003467.3(CXCR4):c.493C>T (p.Leu165Phe)

Gene: CXCR4 (C-X-C motif chemokine receptor 4; minus strand). Cytogenetic location: 2q22.1.
Variant type: single nucleotide variant.
Coding change: c.493C>T on transcript NM_003467.3 (MANE Select); coding-DNA position 493, C replaced by T.
Protein change: p.Leu165Phe; replaces leucine 165 with phenylalanine.
Molecular consequence: missense variant.
Genome position (GRCh38, 1-based): chr2:136,115,435, G>A on the plus strand (C>T on the coding strand, the complement: CXCR4 is on the minus strand). VCF-style: chr2-136115435-G-A. GRCh37 (hg19) VCF-style: chr2-136873005-G-A.
Other names: c.505C>T, p.Leu169Phe (NM_001008540.2); c.706C>T, p.Leu236Phe (NM_001348056.2); c.592C>T, p.Leu198Phe (NM_001348059.2); c.448C>T, p.Leu150Phe (NM_001348060.2); short protein forms L165F, L198F, L169F, L236F, L150F.
Identifiers: ClinVar variation 3718937 (VCV003718937.2).

ClinVar aggregate classification (germline): Uncertain significance (1 of 4 stars; one submission).

Conditions:
Warts, hypogammaglobulinemia, infections, and myelokathexis. Also called: WHIM syndrome. Identifiers: MedGen C0472817, MONDO:0023880.

gnomAD v4.1: 6 of 1,614,064 alleles (0.00037%); highest among the groups gnomAD compares: East Asian, 0.0022%; no homozygotes.

Submission:

Labcorp Genetics (formerly Invitae), Labcorp
Classification: Uncertain significance for Warts, hypogammaglobulinemia, infections, and myelokathexis. Last evaluated: 2025-10-19. Review status: criteria provided, single submitter. Criteria: Invitae Variant Classification Sherloc (09022015). Collection method: clinical testing. Allele origin: germline.
Comment: This sequence change replaces leucine, which is neutral and non-polar, with phenylalanine, which is neutral and non-polar, at codon 165 of the CXCR4 protein (p.Leu165Phe). This variant is present in population databases (no rsID available, gnomAD 0.0009%). This variant has not been reported in the literature in individuals affected with CXCR4-related conditions. ClinVar contains an entry for this variant (Variation ID: 3718937). An algorithm developed to predict the effect of missense changes on protein structure and function (PolyPhen-2) suggests that this variant is likely to be tolerated. In summary, the available evidence is currently insufficient to determine the role of this variant in disease. Therefore, it has been classified as a Variant of Uncertain Significance.